The following is an entry in ClinVar:

NM_006017.3(PROM1):c.493A>G (p.Ile165Val)

Gene: PROM1 (prominin 1; minus strand). Cytogenetic location: 4p15.32.
Variant type: single nucleotide variant.
Coding change: c.493A>G on transcript NM_006017.3 (MANE Select); coding-DNA position 493, A replaced by G.
Protein change: p.Ile165Val; replaces isoleucine 165 with valine.
Molecular consequence: missense variant.
Genome position (GRCh38, 1-based): chr4:16,033,320, T>C on the plus strand (A>G on the coding strand, the complement: PROM1 is on the minus strand). VCF-style: chr4-16033320-T-C. GRCh37 (hg19) VCF-style: chr4-16034943-T-C.
Other names: c.466A>G, p.Ile156Val (NM_001371408.1, NM_001145847.2, NM_001145848.2 and 4 more transcripts); c.493A>G, p.Ile165Val (NM_001145849.2, NM_001145850.2); short protein forms I156V, I165V.
Identifiers: ClinVar variation 1713963 (VCV001713963.5), dbSNP rs1733171645, ClinGen allele CA356427047.

ClinVar aggregate classification (germline): Uncertain significance (1 of 4 stars; one submission).

Allele frequency attached by ClinVar (database versions not stated): TOPMed below 0.00001.

Submission:

Labcorp Genetics (formerly Invitae), Labcorp
Classification: Uncertain significance. Last evaluated: 2022-11-01. Review status: criteria provided, single submitter. Criteria: Invitae Variant Classification Sherloc (09022015). Collection method: clinical testing. Allele origin: germline.
Comment: In summary, the available evidence is currently insufficient to determine the role of this variant in disease. Therefore, it has been classified as a Variant of Uncertain Significance. Advanced modeling of protein sequence and biophysical properties (such as structural, functional, and spatial information, amino acid conservation, physicochemical variation, residue mobility, and thermodynamic stability) performed at Invitae indicates that this missense variant is not expected to disrupt PROM1 protein function. This variant has not been reported in the literature in individuals affected with PROM1-related conditions. This variant is not present in population databases (gnomAD no frequency). This sequence change replaces isoleucine, which is neutral and non-polar, with valine, which is neutral and non-polar, at codon 165 of the PROM1 protein (p.Ile165Val).